The following is an entry in ClinVar:

NM_001958.5(EEF1A2):c.391G>A (p.Gly131Arg)

Gene: EEF1A2 (eukaryotic translation elongation factor 1 alpha 2; minus strand). Cytogenetic location: 20q13.33.
Variant type: single nucleotide variant.
Coding change: c.391G>A on transcript NM_001958.5 (MANE Select); coding-DNA position 391, G replaced by A.
Protein change: p.Gly131Arg; replaces glycine 131 with arginine.
Molecular consequence: missense variant.
Genome position (GRCh38, 1-based): chr20:63,495,035, C>T on the plus strand (G>A on the coding strand, the complement: EEF1A2 is on the minus strand). VCF-style: chr20-63495035-C-T. GRCh37 (hg19) VCF-style: chr20-62126388-C-T.
Other names: NM_001958.5(EEF1A2):c.391G>A; p.Gly131Arg; short protein forms G131R.
Identifiers: ClinVar variation 2074793 (VCV002074793.5), dbSNP rs2516783448, ClinGen allele CA409650271.

ClinVar aggregate classification (germline): Conflicting classifications of pathogenicity. Review status: criteria provided, conflicting classifications (1 of 4 stars). 2 submissions from 2 submitters: Pathogenic (1); Uncertain significance (1). Last evaluated 2026-03-02.

Conditions:
Developmental and epileptic encephalopathy, 33 (DEE33). Also called: Epileptic encephalopathy, early infantile, 33. Identifiers: Orphanet 442835, MedGen C4225337, MONDO:0014625, OMIM 616409.

Submissions (2):

Broad Center for Mendelian Genomics, Broad Institute of MIT and Harvard
Classification: Uncertain significance for Developmental and epileptic encephalopathy, 33. Last evaluated: 2026-03-02. Review status: criteria provided, single submitter. Criteria: ACMG Guidelines, 2015. Collection method: research. Allele origin: germline. Inheritance: Autosomal dominant inheritance.
Comment: Trio exome analysis showed this variant to be de novo. The p.Gly131Arg variant in EEF1A2 has not been previously reported in the literature in individuals with neurodevelopmental disorders and was absent from large population studies. This variant has been reported in ClinVar (Variation ID: 2074793) and has been interpreted as pathogenic by Invitae. This variant is assumed de novo in 1 individual, but maternity and paternity have not been confirmed (SCV003289188.1). Computational prediction tools and conservation analyses do not provide strong support for or against an impact to the protein. The number of missense variants reported in EEF1A2 in the general population is lower than expected, suggesting there is little benign variation in this gene and slightly increasing the possibility that a missense variant in this gene may not be tolerated. In summary, while there is some suspicion for a pathogenic role, the clinical significance of this variant is uncertain. ACMG/AMP Criteria applied: PP2, PM2_supporting, PS2_supporting (Richards 2015).

Labcorp Genetics (formerly Invitae), Labcorp
Classification: Pathogenic for Developmental and epileptic encephalopathy, 33. Last evaluated: 2022-02-28. Review status: criteria provided, single submitter. Criteria: Invitae Variant Classification Sherloc (09022015). Collection method: clinical testing. Allele origin: germline.
Comment: For these reasons, this variant has been classified as Pathogenic. Advanced modeling of protein sequence and biophysical properties (such as structural, functional, and spatial information, amino acid conservation, physicochemical variation, residue mobility, and thermodynamic stability) performed at Invitae indicates that this missense variant is expected to disrupt EEF1A2 protein function. This missense change has been observed in individual(s) with clinical features of developmental and epileptic encephalopathy (Invitae). In at least one individual the variant was observed to be de novo. This variant is not present in population databases (gnomAD no frequency). This sequence change replaces glycine, which is neutral and non-polar, with arginine, which is basic and polar, at codon 131 of the EEF1A2 protein (p.Gly131Arg).